The following is an entry in ClinVar:

NC_000002.11:g.(?_27535860)_(27539162_?)del

Gene: MPV17 (mitochondrial inner membrane protein MPV17; minus strand). Cytogenetic location: 2p23.3.
Variant type: Deletion.
Identifiers: ClinVar variation 3247508 (VCV003247508.1).

ClinVar aggregate classification (germline): Pathogenic (1 of 4 stars; one submission).

Submission:

Labcorp Genetics (formerly Invitae), Labcorp
Classification: Pathogenic. Last evaluated: 2022-07-24. Review status: criteria provided, single submitter. Criteria: Invitae Variant Classification Sherloc (09022015). Collection method: clinical testing. Allele origin: unknown.
Comment: For these reasons, this variant has been classified as Pathogenic. This variant has not been reported in the literature in individuals affected with MPV17-related conditions. This variant is a gross deletion of the genomic region encompassing exon(s) 3 of the MPV17 gene. This deletion is out-of-frame, and is expected to create a premature termination codon and result in an absent or disrupted protein product. Loss-of-function variants in MPV17 are known to be pathogenic (PMID: 23714749).

Literature cited by the submitters: PubMed 23714749.